The following is an entry in ClinVar:

ClinVar aggregate classification (germline): Uncertain significance (1 of 4 stars; one submission).

Submission:

GeneDx
Classification: Uncertain significance. Last evaluated: 2019-07-19. Review status: criteria provided, single submitter. Criteria: GeneDx Variant Classification Process June 2021. Collection method: clinical testing. Allele origin: germline. Affected: yes.
Comment: In-frame deletion of 1 amino acid; In silico analysis, which includes protein predictors and evolutionary conservation, supports a deleterious effect; Has not been previously published as pathogenic or benign to our knowledge; Not observe in large population cohorts (Lek et al., 2016)

NM_022552.5(DNMT3A):c.1582_1584del (p.Tyr528del)

Gene: DNMT3A (DNA methyltransferase 3 alpha; minus strand). Cytogenetic location: 2p23.3.
Variant type: Deletion.
Coding change: c.1582_1584del on transcript NM_022552.5 (MANE Select); coding-DNA positions 1582 to 1584, 3 bases deleted (TAC; older notation c.1582_1584delTAC).
Protein change: p.Tyr528del; deletes tyrosine 528.
Molecular consequence: inframe deletion. On other transcripts: non-coding transcript variant (1).
Genome position (GRCh38, 1-based): chr2:25,244,623-25,244,625, GTA deleted on the plus strand (TAC on the coding strand, the reverse complement: DNMT3A is on the minus strand). VCF-style (leftmost placement, unchanged base first): chr2-25244622-CGTA-C. GRCh37 (hg19) VCF-style: chr2-25467491-CGTA-C.
Other names: c.1126_1128del, p.Tyr376del (NM_001320893.1); c.913_915del, p.Tyr305del (NM_001375819.1); c.1015_1017del, p.Tyr339del (NM_153759.3); c.1582_1584del, p.Tyr528del (NM_175629.2); c.1582_1584delTAC (NM_175629.2); short protein forms Y305del, Y339del, Y376del, Y528del.
Identifiers: ClinVar variation 1179951 (VCV001179951.2), dbSNP rs2149292175, ClinGen allele CA2499215819.
Genomic context (GRCh38, chr2:25,244,622, plus strand): 5'-ACATGAGCACCTCACGGCCCCCACAGCAGATGGTGCAGTAGGACTGGTAGCCGTCGTCGT[CGTA>C]CTGGTACGCACACTCCAGAAAGCAGTTCTAGACAGCAGCGGGAAGGGTCAGAAACCACCA-3'